The following is an entry in ClinVar:

ClinVar aggregate classification (germline): Uncertain significance (1 of 4 stars; one submission).

Allele frequency attached by ClinVar (database versions not stated): gnomAD exomes 0.00001 and 0.00005; TOPMed 0.00001; ExAC 0.00002; gnomAD 0.00004.
gnomAD v4.1: 27 of 1,612,462 alleles (0.0017%); highest among the groups gnomAD compares: Non-Finnish European, 0.00076%; no homozygotes.

Submission:

Labcorp Genetics (formerly Invitae), Labcorp
Classification: Uncertain significance. Last evaluated: 2024-01-22. Review status: criteria provided, single submitter. Criteria: Invitae Variant Classification Sherloc (09022015). Collection method: clinical testing. Allele origin: germline.
Comment: This sequence change replaces lysine, which is basic and polar, with glutamic acid, which is acidic and polar, at codon 264 of the SLC13A3 protein (p.Lys264Glu). This variant is present in population databases (rs764759095, gnomAD 0.05%). This variant has not been reported in the literature in individuals affected with SLC13A3-related conditions. ClinVar contains an entry for this variant (Variation ID: 1500858). Advanced modeling of protein sequence and biophysical properties (such as structural, functional, and spatial information, amino acid conservation, physicochemical variation, residue mobility, and thermodynamic stability) performed at Invitae indicates that this missense variant is not expected to disrupt SLC13A3 protein function with a negative predictive value of 80%. In summary, the available evidence is currently insufficient to determine the role of this variant in disease. Therefore, it has been classified as a Variant of Uncertain Significance.

NM_022829.6(SLC13A3):c.790A>G (p.Lys264Glu)

Gene: SLC13A3 (solute carrier family 13 member 3; minus strand). Cytogenetic location: 20q13.12.
Variant type: single nucleotide variant.
Coding change: c.790A>G on transcript NM_022829.6 (MANE Select); coding-DNA position 790, A replaced by G.
Protein change: p.Lys264Glu; replaces lysine 264 with glutamic acid.
Molecular consequence: missense variant. On other transcripts: synonymous variant (1).
Genome position (GRCh38, 1-based): chr20:46,596,161, T>C on the plus strand (A>G on the coding strand, the complement: SLC13A3 is on the minus strand). VCF-style: chr20-46596161-T-C. GRCh37 (hg19) VCF-style: chr20-45224800-T-C.
Other names: c.649A>G, p.Lys217Glu (NM_001011554.3, NM_001193340.2); c.723A>G, p.Ser241= (NM_001193339.2); c.496A>G, p.Lys166Glu (NM_001193342.2); short protein forms K166E, K217E, K264E.
Identifiers: ClinVar variation 1500858 (VCV001500858.6), dbSNP rs764759095, ClinGen allele CA9891532.